The following is an entry in ClinVar:

NM_182961.4(SYNE1):c.13752T>C (p.Val4584=)

Gene: SYNE1 (spectrin repeat containing nuclear envelope protein 1; minus strand). Cytogenetic location: 6q25.2.
Variant type: single nucleotide variant.
Coding change: c.13752T>C on transcript NM_182961.4 (MANE Select); coding-DNA position 13752, T replaced by C.
Protein change: p.Val4584=; no amino-acid change (valine 4584 retained).
Molecular consequence: synonymous variant.
Genome position (GRCh38, 1-based): chr6:152,330,933, A>G on the plus strand (T>C on the coding strand, the complement: SYNE1 is on the minus strand). VCF-style: chr6-152330933-A-G. GRCh37 (hg19) VCF-style: chr6-152652068-A-G.
Other names: c.13539T>C, p.Val4513= (NM_033071.5).
Identifiers: ClinVar variation 2163498 (VCV002163498.29), dbSNP rs759217287, ClinGen allele CA4056128.
Genomic context (GRCh38, chr6:152,330,933, plus strand): 5'-TTTAGCCAGTTGTGTATGAAGCTCAGAACTCTCATTCATTAGGTTGATTTCAGGAAATGT[A>G]ACAATATCTGCTTGTTTTAGCCAGTGGCAAGCTTTATCAAAATCTTCCTTAAAATGCTTC-3'
Protein context (NP_892006.3, residues 4574-4594): ACHWLKQADI[Val4584=]TFPEINLMNE

ClinVar aggregate classification (germline): Likely benign. Review status: criteria provided, multiple submitters, no conflicts (2 of 4 stars). 3 submissions from 3 submitters: Likely benign (3). Last evaluated 2024-09-19.

Conditions:
Autosomal recessive ataxia, Beauce type. Also called: Spinocerebellar ataxia, autosomal recessive 8; SYNE1-Related Autosomal Recessive Cerebellar Ataxia; SYNE1 Deficiency; ATAXIA, RECESSIVE, OF BEAUCE. Identifiers: Orphanet 88644, MedGen C1853116, MONDO:0012549, OMIM 610743.
Emery-Dreifuss muscular dystrophy 4, autosomal dominant (EDMD4). Also called: EMERY-DREIFUSS MUSCULAR DYSTROPHY 4 WITH VARIABLE FEATURES. Identifiers: Orphanet 261, MedGen C2751807, MONDO:0013071, OMIM 612998.

Allele frequency attached by ClinVar (database versions not stated): gnomAD 0.00001; TOPMed 0.00001; ExAC 0.00004; gnomAD exomes 0.00006.
gnomAD v4.1: 88 of 1,613,960 alleles (0.0055%); highest among the groups gnomAD compares: Middle Eastern, 0.033%; no homozygotes.

Submissions (3):

Blueprint Genetics
Classification: Likely benign. Last evaluated: 2024-09-19. Review status: criteria provided, single submitter. Criteria: ACMG Guidelines, 2015. Collection method: clinical testing. Allele origin: germline.

CeGaT Center for Human Genetics Tuebingen
Classification: Likely benign. Last evaluated: 2023-03-01. Review status: criteria provided, single submitter. Criteria: CeGaT Center For Human Genetics Tuebingen Variant Classification Criteria Version 2. Collection method: clinical testing. Allele origin: germline. Affected: yes. Observed: 2 variant alleles.
Comment: SYNE1: BP4, BP7

Labcorp Genetics (formerly Invitae), Labcorp
Classification: Likely benign for Emery-Dreifuss muscular dystrophy 4, autosomal dominant; Autosomal recessive ataxia, Beauce type. Last evaluated: 2022-09-22. Review status: criteria provided, single submitter. Criteria: Invitae Variant Classification Sherloc (09022015). Collection method: clinical testing. Allele origin: germline.